The following is an entry in ClinVar:

NM_017831.4(RNF125):c.190A>G (p.Ser64Gly)

Gene: RNF125 (ring finger protein 125; plus strand). Cytogenetic location: 18q12.1.
Variant type: single nucleotide variant.
Coding change: c.190A>G on transcript NM_017831.4 (MANE Select); coding-DNA position 190, A replaced by G.
Protein change: p.Ser64Gly; replaces serine 64 with glycine.
Molecular consequence: missense variant.
Genome position (GRCh38, 1-based): chr18:32,037,141, A>G. VCF-style: chr18-32037141-A-G. GRCh37 (hg19) VCF-style: chr18-29617104-A-G.
Other names: short protein forms S64G.
Identifiers: ClinVar variation 3385279 (VCV003385279.1).

ClinVar aggregate classification (germline): Uncertain significance (1 of 4 stars; one submission).

gnomAD v4.1: 4 of 1,605,110 alleles (0.00025%); highest among the groups gnomAD compares: Admixed American, 0.007%; no homozygotes.

Submission:

Women's Health and Genetics/Laboratory Corporation of America, LabCorp
Classification: Uncertain significance. Last evaluated: 2024-10-16. Review status: criteria provided, single submitter. Criteria: LabCorp Variant Classification Summary - May 2015. Collection method: clinical testing. Allele origin: germline.
Comment: Variant summary: RNF125 c.190A>G (p.Ser64Gly) results in a non-conservative amino acid change located in the Zinc finger, RING-type domain (IPR001841) of the encoded protein sequence. Three of five in-silico tools predict a damaging effect of the variant on protein function. The variant allele was found at a frequency of 8.3e-06 in 241046 control chromosomes. The available data on variant occurrences in the general population are insufficient to allow any conclusion about variant significance. To our knowledge, no occurrence of c.190A>G in individuals affected with Tenorio Syndrome and no experimental evidence demonstrating its impact on protein function have been reported. No submitters have cited clinical-significance assessments for this variant to ClinVar. Based on the evidence outlined above, the variant was classified as uncertain significance.